The following is an entry in ClinVar:

ClinVar aggregate classification (germline): Uncertain significance (1 of 4 stars; one submission).

Conditions:
Combined oxidative phosphorylation defect type 17. Also called: Combined oxidative phosphorylation deficiency 17. Identifiers: Orphanet 369913, MedGen C3809526, MONDO:0014190, OMIM 615440.

Allele frequency attached by ClinVar (database versions not stated): gnomAD exomes below 0.00001; TOPMed 0.00002.
gnomAD v4.1: 1 of 1,613,876 alleles (0.000062%); highest among the groups gnomAD compares: African/African-American, 0.0013%; no homozygotes.

Submission:

Labcorp Genetics (formerly Invitae), Labcorp
Classification: Uncertain significance for Combined oxidative phosphorylation defect type 17. Last evaluated: 2020-08-20. Review status: criteria provided, single submitter. Criteria: Invitae Variant Classification Sherloc (09022015). Collection method: clinical testing. Allele origin: germline.
Comment: In summary, the available evidence is currently insufficient to determine the role of this variant in disease. Therefore, it has been classified as a Variant of Uncertain Significance. Algorithms developed to predict the effect of missense changes on protein structure and function are either unavailable or do not agree on the potential impact of this missense change (SIFT: "Deleterious"; PolyPhen-2: "Probably Damaging"; Align-GVGD: "Class C0"). This variant has not been reported in the literature in individuals with ELAC2-related conditions. This variant is not present in population databases (ExAC no frequency). This sequence change replaces cysteine with tyrosine at codon 516 of the ELAC2 protein (p.Cys516Tyr). The cysteine residue is highly conserved and there is a large physicochemical difference between cysteine and tyrosine.

NM_018127.7(ELAC2):c.1547G>A (p.Cys516Tyr)

Gene: ELAC2 (elaC ribonuclease Z 2; minus strand). Cytogenetic location: 17p12.
Variant type: single nucleotide variant.
Coding change: c.1547G>A on transcript NM_018127.7 (MANE Select); coding-DNA position 1547, G replaced by A.
Protein change: p.Cys516Tyr; replaces cysteine 516 with tyrosine.
Molecular consequence: missense variant.
Genome position (GRCh38, 1-based): chr17:12,996,659, C>T on the plus strand (G>A on the coding strand, the complement: ELAC2 is on the minus strand). VCF-style: chr17-12996659-C-T. GRCh37 (hg19) VCF-style: chr17-12899976-C-T.
Other names: c.1427G>A, p.Cys476Tyr (NM_001165962.2); c.1544G>A, p.Cys515Tyr (NM_173717.2); short protein forms C476Y, C515Y, C516Y.
Identifiers: ClinVar variation 1038553 (VCV001038553.3), dbSNP rs970054118, ClinGen allele CA288077975.